The following is an entry in ClinVar:

NM_001369268.1(ACAN):c.7411A>C (p.Asn2471His)

Gene: ACAN (aggrecan; plus strand). Cytogenetic location: 15q26.1.
Variant type: single nucleotide variant.
Coding change: c.7411A>C on transcript NM_001369268.1 (MANE Select); coding-DNA position 7411, A replaced by C.
Protein change: p.Asn2471His; replaces asparagine 2471 with histidine.
Molecular consequence: missense variant.
Genome position (GRCh38, 1-based): chr15:88,872,989, A>C. VCF-style: chr15-88872989-A-C. GRCh37 (hg19) VCF-style: chr15-89416220-A-C.
Other names: c.7183A>C, p.Asn2395His (NM_001135.4); c.7297A>C, p.Asn2433His (NM_013227.4); short protein forms N2471H, N2433H, N2395H.
Identifiers: ClinVar variation 1438084 (VCV001438084.8), dbSNP rs1897419477, ClinGen allele CA393730553.

ClinVar aggregate classification (germline): Uncertain significance (1 of 4 stars; one submission).

gnomAD v4.1: 4 of 1,613,642 alleles (0.00025%); highest among the groups gnomAD compares: East Asian, 0.0089%; no homozygotes.

Submission:

Labcorp Genetics (formerly Invitae), Labcorp
Classification: Uncertain significance. Last evaluated: 2023-08-04. Review status: criteria provided, single submitter. Criteria: Invitae Variant Classification Sherloc (09022015). Collection method: clinical testing. Allele origin: germline.
Comment: In summary, the available evidence is currently insufficient to determine the role of this variant in disease. Therefore, it has been classified as a Variant of Uncertain Significance. An algorithm developed to predict the effect of missense changes on protein structure and function (PolyPhen-2) suggests that this variant is likely to be disruptive. ClinVar contains an entry for this variant (Variation ID: 1438084). This variant has not been reported in the literature in individuals affected with ACAN-related conditions. This variant is not present in population databases (gnomAD no frequency). This sequence change replaces asparagine, which is neutral and polar, with histidine, which is basic and polar, at codon 2433 of the ACAN protein (p.Asn2433His).